The following is an entry in ClinVar:

NM_002907.4(RECQL):c.859T>C (p.Tyr287His)

Gene: RECQL (RecQ like helicase; minus strand). Cytogenetic location: 12p12.1.
Variant type: single nucleotide variant.
Coding change: c.859T>C on transcript NM_002907.4 (MANE Select); coding-DNA position 859, T replaced by C.
Protein change: p.Tyr287His; replaces tyrosine 287 with histidine.
Molecular consequence: missense variant.
Genome position (GRCh38, 1-based): chr12:21,477,811, A>G on the plus strand (T>C on the coding strand, the complement: RECQL is on the minus strand). VCF-style: chr12-21477811-A-G. GRCh37 (hg19) VCF-style: chr12-21630745-A-G.
Other names: c.859T>C, p.Tyr287His (NM_032941.3); short protein forms Y287H.
Identifiers: ClinVar variation 1763990 (VCV001763990.3), dbSNP rs750290901, ClinGen allele CA6478959.

ClinVar aggregate classification (germline): Uncertain significance (1 of 4 stars; one submission).

Allele frequency attached by ClinVar (database versions not stated): TOPMed below 0.00001; gnomAD 0.00001; gnomAD exomes 0.00001; ExAC 0.00003.
gnomAD v4.1: 18 of 1,609,144 alleles (0.0011%); highest among the groups gnomAD compares: Non-Finnish European, 0.00042%; no homozygotes.

Submission:

Ambry Genetics
Classification: Uncertain significance. Last evaluated: 2024-10-06. Review status: criteria provided, single submitter. Criteria: Ambry Variant Classification Scheme 2023. Collection method: clinical testing. Allele origin: germline.
Comment: The p.Y287H variant (also known as c.859T>C), located in coding exon 6 of the RECQL gene, results from a T to C substitution at nucleotide position 859. The tyrosine at codon 287 is replaced by histidine, an amino acid with similar properties. This amino acid position is conserved. In addition, this alteration is predicted to be tolerated by in silico analysis. Since supporting evidence is limited at this time, the clinical significance of this alteration remains unclear.